The following is an entry in ClinVar:

ClinVar aggregate classification (germline): Likely pathogenic (1 of 4 stars; one submission).

Conditions:
Primary ciliary dyskinesia. Also called: Ciliary dyskinesia. Identifiers: Orphanet 244, MedGen C0008780, MONDO:0016575, HP:0012265.

Submission:

Natera, Inc.
Classification: Likely pathogenic for Primary ciliary dyskinesia. Last evaluated: 2024-09-26. Review status: criteria provided, single submitter. Criteria: Natera Variant Classification Schema (03/2026). Collection method: clinical testing. Allele origin: germline.
Comment: The c.1A>G variant in DNAH5 is predicted to result in start loss due to disruption of the initiator methionine. This variant is expected to result in nonsense mediated decay, truncation, or a dysfunctional protein product. This variant is rare in the general population with a frequency below the threshold expected for the associated phenotype(s). Given the available evidence, this variant is classified as Likely Pathogenic.

NM_001369.3(DNAH5):c.1A>G (p.Met1Val)

Gene: DNAH5 (dynein axonemal heavy chain 5; minus strand). Cytogenetic location: 5p15.2.
Variant type: single nucleotide variant.
Coding change: c.1A>G on transcript NM_001369.3 (MANE Select); coding-DNA position 1, A replaced by G.
Protein change: p.Met1Val; changes the start codon (methionine 1).
Molecular consequence: missense variant, initiator codon variant.
Genome position (GRCh38, 1-based): chr5:13,944,438, T>C on the plus strand (A>G on the coding strand, the complement: DNAH5 is on the minus strand). VCF-style: chr5-13944438-T-C. GRCh37 (hg19) VCF-style: chr5-13944547-T-C.
Other names: short protein forms M1V.
Identifiers: ClinVar variation 4814874 (VCV004814874.2).
Genomic context (GRCh38, chr5:13,944,438, plus strand): 5'-TTACCGTTAAAACTCGAGTGACGCTATGCTTCCAGAGCTGTCTCCTCCCAATCCTAAACA[T>C]TGTAGCCGTGCATGGACAGGCTGGAGTCAGCTCTTCCGGAATGGTCTTCTAACTCCTGGC-3'
Protein context (NP_001360.1, residues 1-11): [Met1Val]FRIGRRQLWK